The following is an entry in ClinVar:

ClinVar aggregate classification (germline): Benign. Review status: criteria provided, multiple submitters, no conflicts (2 of 4 stars). 2 submissions from 2 submitters: Benign (2). Last evaluated 2018-01-13.

Conditions:
Hermansky-Pudlak syndrome 5 (HPS5). Identifiers: Orphanet 231512, Orphanet 79430, MedGen C3888004, MONDO:0013557, OMIM 614074.

Allele frequency attached by ClinVar (database versions not stated): gnomAD exomes 0.00393; 1000 Genomes Project 0.02476; 1000 Genomes Project 30x 0.02686; gnomAD 0.02704 and 0.02922; TOPMed 0.03025.
gnomAD v4.1: 4,200 of 178,604 alleles (2.4%); highest among the groups gnomAD compares: African/African-American, 8.5%; 145 homozygotes.

Submissions (2):

Illumina Laboratory Services, Illumina
Classification: Benign for Hermansky-Pudlak syndrome 5. Last evaluated: 2018-01-13. Review status: criteria provided, single submitter. Criteria: ICSL Variant Classification Criteria 13 December 2019. Collection method: clinical testing. Allele origin: germline.
Comment: This variant was observed in the ICSL laboratory as part of a predisposition screen in an ostensibly healthy population. It had not been previously curated by ICSL or reported in the Human Gene Mutation Database (HGMD: prior to June 1st, 2018), and was therefore a candidate for classification through an automated scoring system. Utilizing variant allele frequency, disease prevalence and penetrance estimates, and inheritance mode, an automated score was calculated to assess if this variant is too frequent to cause the disease. Based on the score and internal cut-off values, a variant classified as benign is not then subjected to further curation. The score for this variant resulted in a classification of benign for this disease.

Breakthrough Genomics
Classification: Benign. Review status: criteria provided, single submitter. Criteria: ACMG Guidelines, 2015. Collection method: not provided. Allele origin: germline. Inheritance: Autosomal recessive inheritance. Affected: yes.

NM_181507.2(HPS5):c.*443T>A

Gene: HPS5 (HPS5 biogenesis of lysosomal organelles complex 2 subunit 2; minus strand). Cytogenetic location: 11p15.1.
Variant type: single nucleotide variant.
Coding change: c.*443T>A on transcript NM_181507.2 (MANE Select); 443 bases downstream of the stop codon, T replaced by A.
Molecular consequence: 3 prime UTR variant.
Genome position (GRCh38, 1-based): chr11:18,279,439, A>T on the plus strand (T>A on the coding strand, the complement: HPS5 is on the minus strand). VCF-style: chr11-18279439-A-T. GRCh37 (hg19) VCF-style: chr11-18300986-A-T.
Other names: c.*443T>A (NM_007216.4, NM_181508.2).
Identifiers: ClinVar variation 303859 (VCV000303859.6), dbSNP rs74602396, ClinGen allele CA10630509.
Genomic context (GRCh38, chr11:18,279,439, plus strand): 5'-ATTTTGGGTGTTAATTCCATTATACACCGTCTTATTTCAGTAATTTCCATATTGTGCCAG[A>T]CAAGATATAAAAATAATTCAACTCCAGTCAATAATACCATCTGTCTTCATGTGACCAGGA-3'